The following is an entry in ClinVar:

NM_152383.5(DIS3L2):c.1784A>C (p.His595Pro)

Gene: DIS3L2 (DIS3 like 3'-5' exoribonuclease 2; plus strand). Cytogenetic location: 2q37.1.
Variant type: single nucleotide variant.
Coding change: c.1784A>C on transcript NM_152383.5 (MANE Select); coding-DNA position 1784, A replaced by C.
Protein change: p.His595Pro; replaces histidine 595 with proline.
Molecular consequence: missense variant. On other transcripts: intron variant (1).
Genome position (GRCh38, 1-based): chr2:232,329,857, A>C. VCF-style: chr2-232329857-A-C. GRCh37 (hg19) VCF-style: chr2-233194567-A-C.
Other names: c.1582-13488A>C (NM_001257281.2); short protein forms H595P.
Identifiers: ClinVar variation 843145 (VCV000843145.1), dbSNP rs752819903, ClinGen allele CA350976011.
Genomic context (GRCh38, chr2:232,329,857, plus strand): 5'-CACCCACCCTCTGCAGGCTCGTGGAGGAGTTCATGCTCTTGGCCAACATGGCAGTGGCCC[A>C]CAAGATCCACCGCGCCTTCCCCGAGCAGGCCCTGCTGCGCCGGCACCCCCCGCCCCAAAC-3'
Protein context (NP_689596.4, residues 585-605): FMLLANMAVA[His595Pro]KIHRAFPEQA

ClinVar aggregate classification (germline): Uncertain significance (1 of 4 stars; one submission).

Conditions:
Perlman syndrome (PRLMNS). Identifiers: Orphanet 2849, MedGen C0796113, MONDO:0009965, OMIM 267000.

gnomAD v4.1: 1 of 1,340,650 alleles (0.000075%); highest among the groups gnomAD compares: East Asian, 0.0047%; no homozygotes.

Submission:

Labcorp Genetics (formerly Invitae), Labcorp
Classification: Uncertain significance for Renal hamartomas nephroblastomatosis and fetal gigantism. Last evaluated: 2019-12-20. Review status: criteria provided, single submitter. Criteria: Invitae Variant Classification Sherloc (09022015). Collection method: clinical testing. Allele origin: germline.
Comment: This sequence change replaces histidine with proline at codon 595 of the DIS3L2 protein (p.His595Pro). The histidine residue is moderately conserved and there is a moderate physicochemical difference between histidine and proline. This variant is not present in population databases (ExAC no frequency). This variant has not been reported in the literature in individuals with DIS3L2-related conditions. Algorithms developed to predict the effect of missense changes on protein structure and function are either unavailable or do not agree on the potential impact of this missense change (SIFT: "Tolerated"; PolyPhen-2: "Probably Damaging"; Align-GVGD: "Class C0"). In summary, the available evidence is currently insufficient to determine the role of this variant in disease. Therefore, it has been classified as a Variant of Uncertain Significance.